The following is an entry in ClinVar:

ClinVar aggregate classification (germline): Pathogenic/Likely pathogenic. Review status: criteria provided, multiple submitters, no conflicts (2 of 4 stars). 6 submissions from 6 submitters: Pathogenic (3); Likely pathogenic (3). Last evaluated 2026-07-10.

Conditions:
COL4A5-related disorders.
X-linked Alport syndrome (ATS1). Also called: COL4A5-Related Nephropathy; NEPHROPATHY AND DEAFNESS, X-LINKED. Identifiers: Orphanet 63, Orphanet 88917, MedGen C4746986, MONDO:0010520, OMIM 301050.

Submissions (6):

Centre de Génétique Humaine, Institut de Pathologie Et de Génétique
Classification: Pathogenic for X-linked Alport syndrome. Last evaluated: 2026-07-10. Review status: criteria provided, single submitter. Criteria: ACMG Guidelines, 2015. Collection method: clinical testing. Allele origin: germline, paternal. Inheritance: X-linked dominant inheritance. Affected: yes. Observed: 2 variant alleles, 1 heterozygote, 1 hemizygote. Segregation with disease observed.
Comment: This missense variant involves a highly conserved glycine located in a ‘Gly-X-Y’ motif in collagenous region, (PM1,PP2). This variant is rare: absent in gnomAD v4.1.0 database (PM2). Same amino acid change caused by c.574G>C described as LP in ClinVar (PS1). Two other missense variants affecting the same residue described as likely pathogenic/pathogenic or disease causing: c.575G>A, P.(Gly192Glu), PMID: 20884774, PMID: 38972501; c.574G>T (p.Gly192Trp) in ClinVar. (PM5). In silico analysis supports that this missense variant has a deleterious effect (PP3). Described in scientific literature as disease causing (PP5).

3billion
Classification: Pathogenic for X-linked Alport syndrome. Last evaluated: 2025-10-07. Review status: criteria provided, single submitter. Criteria: ACMG Guidelines, 2015. Collection method: clinical testing. Allele origin: germline. Affected: yes.
Comment: The variant is not observed in the gnomAD v4.1.0 dataset. Predicted Consequence/Location: The variant is located in a mutational hot spot and/or well-established functional domain in which established pathogenic variants have been reported. In silico tool predictions suggest damaging effect of the variant on gene or gene product [REVEL: 0.98 (>=0.6, sensitivity 0.68 and specificity 0.92); 3Cnet: 0.99 (> 0.75, sensitivity 0.96 and precision 0.92)]. The same nucleotide change resulting in the same amino acid change has been previously reported as pathogenic/likely pathogenic with strong evidence (ClinVar ID: VCV000024291 /PMID: 11223851 /3billion dataset). Different missense changes at the same codon (p.Gly192Glu, p.Gly192Trp) have been reported as pathogenic/likely pathogenic with strong evidence (ClinVar ID: VCV000452664, VCV001508006 /PMID: 20884774). Therefore, this variant is classified as Pathogenic according to the recommendation of ACMG/AMP guideline.

Labcorp Genetics (formerly Invitae), Labcorp
Classification: Likely pathogenic. Last evaluated: 2024-08-08. Review status: criteria provided, single submitter. Criteria: Invitae Variant Classification Sherloc (09022015). Collection method: clinical testing. Allele origin: germline.
Comment: This sequence change replaces glycine, which is neutral and non-polar, with arginine, which is basic and polar, at codon 192 of the COL4A5 protein (p.Gly192Arg). This variant is not present in population databases (gnomAD no frequency). This missense change has been observed in individual(s) with clinical features of Alport syndrome (PMID: 11223851). ClinVar contains an entry for this variant (Variation ID: 24291). Advanced modeling of protein sequence and biophysical properties (such as structural, functional, and spatial information, amino acid conservation, physicochemical variation, residue mobility, and thermodynamic stability) performed at Invitae indicates that this missense variant is expected to disrupt COL4A5 protein function with a positive predictive value of 95%. This variant disrupts the triple helix domain of COL4A5. Glycine residues within the Gly-Xaa-Yaa repeats of the triple helix domain are required for the structure and stability of fibrillar collagens (PMID: 7695699, 8218237, 19344236). In COL4A5, missense variants at these glycine residues are significantly enriched in individuals with disease (PMID: 23720012, 27627812) compared to the general population (ExAC). In summary, the currently available evidence indicates that the variant is pathogenic, but additional data are needed to prove that conclusively. Therefore, this variant has been classified as Likely Pathogenic.

Fulgent Genetics
Classification: Pathogenic for X-linked Alport syndrome. Last evaluated: 2024-02-01. Review status: criteria provided, single submitter. Criteria: ACMG Guidelines, 2015. Collection method: clinical testing. Allele origin: germline.

Blueprint Genetics
Classification: Likely pathogenic for COL4A5-related disorders. Last evaluated: 2020-10-28. Review status: criteria provided, single submitter. Criteria: ACMG Guidelines, 2015. Collection method: clinical testing. Allele origin: germline. Affected: yes. Observed: 1 variant allele.

Centre for Mendelian Genomics, University Medical Centre Ljubljana
Classification: Likely pathogenic for X-linked Alport syndrome. Last evaluated: 2019-12-11. Review status: criteria provided, single submitter. Criteria: ACMG Guidelines, 2015. Collection method: clinical testing. Allele origin: unknown. Affected: yes.
Comment: This variant was classified as: Likely pathogenic. The following ACMG criteria were applied in classifying this variant: PM1,PM2,PP2,PP3,PP4,PP5.

Literature cited by the submitters: PubMed 11223851 (cited by 3 submitters); PubMed 20884774 (cited by 3billion); PubMed 7695699 (cited by Labcorp Genetics (formerly Invitae), Labcorp); PubMed 8218237 (cited by Labcorp Genetics (formerly Invitae), Labcorp); PubMed 19344236 (cited by Labcorp Genetics (formerly Invitae), Labcorp); PubMed 23720012 (cited by Labcorp Genetics (formerly Invitae), Labcorp); PubMed 27627812 (cited by Labcorp Genetics (formerly Invitae), Labcorp).

NM_033380.3(COL4A5):c.574G>A (p.Gly192Arg)

Gene: COL4A5 (collagen type IV alpha 5 chain; plus strand). Cytogenetic location: Xq22.3.
Variant type: single nucleotide variant.
Coding change: c.574G>A on transcript NM_033380.3 (MANE Select); coding-DNA position 574, G replaced by A.
Protein change: p.Gly192Arg; replaces glycine 192 with arginine.
Molecular consequence: missense variant.
Genome position (GRCh38, 1-based): chrX:108,575,937, G>A. VCF-style: chrX-108575937-G-A. GRCh37 (hg19) VCF-style: chrX-107819167-G-A.
Other names: p.(Gly192Arg); c.574G>A, p.Gly192Arg (NM_000495.5); short protein forms G192R.
Identifiers: ClinVar variation 24291 (VCV000024291.12), dbSNP rs104886060, ClinGen allele CA258274.
Genomic context (GRCh38, chrX:108,575,937, plus strand): 5'-TTTTCATCATTTTCTTTACTCACTTTATAACAGGGCCTACCTGGTCCCACTGGTATACCA[G>A]GGCCAATTGGTCCCCCAGGACCACCAGGTTTGATGGTAAGCTCTCTTCTTTAATTTAATT-3'
Protein context (NP_203699.1, residues 182-202): QGLPGPTGIP[Gly192Arg]PIGPPGPPGL